The following is an entry in ClinVar:

NM_004614.5(TK2):c.591C>T (p.Cys197=)

Gene: TK2 (thymidine kinase 2; minus strand). Cytogenetic location: 16q21.
Variant type: single nucleotide variant.
Coding change: c.591C>T on transcript NM_004614.5 (MANE Select); coding-DNA position 591, C replaced by T.
Protein change: p.Cys197=; no amino-acid change (cysteine 197 retained).
Molecular consequence: synonymous variant. On other transcripts: non-coding transcript variant (1), intron variant (1).
Genome position (GRCh38, 1-based): chr16:66,517,163, G>A on the plus strand (C>T on the coding strand, the complement: TK2 is on the minus strand). VCF-style: chr16-66517163-G-A. GRCh37 (hg19) VCF-style: chr16-66551066-G-A.
Other names: c.498C>T, p.Cys166= (NM_001172643.1); c.516C>T, p.Cys172= (NM_001172644.2); c.537C>T, p.Cys179= (NM_001172645.2); c.444C>T, p.Cys148= (NM_001271934.2); c.300C>T, p.Cys100= (NM_001272050.2); c.357-3352C>T (NM_001271935.1).
Identifiers: ClinVar variation 1443525 (VCV001443525.4), dbSNP rs528776721, ClinGen allele CA282176792.

ClinVar aggregate classification (germline): Uncertain significance (1 of 4 stars; one submission).

Allele frequency attached by ClinVar (database versions not stated): gnomAD exomes below 0.00001 and 0.00002; TOPMed below 0.00001; gnomAD 0.00001 and 0.00002; 1000 Genomes Project 30x 0.00031; 1000 Genomes Project 0.00040.
gnomAD v4.1: 13 of 1,614,152 alleles (0.00081%); highest among the groups gnomAD compares: East Asian, 0.011%; no homozygotes.

Submission:

Labcorp Genetics (formerly Invitae), Labcorp
Classification: Uncertain significance. Last evaluated: 2022-07-06. Review status: criteria provided, single submitter. Criteria: Invitae Variant Classification Sherloc (09022015). Collection method: clinical testing. Allele origin: germline.
Comment: This sequence change affects codon 197 of the TK2 mRNA. It is a 'silent' change, meaning that it does not change the encoded amino acid sequence of the TK2 protein. This variant is present in population databases (rs528776721, gnomAD 0.02%). This variant has not been reported in the literature in individuals affected with TK2-related conditions. ClinVar contains an entry for this variant (Variation ID: 1443525). Algorithms developed to predict the effect of sequence changes on RNA splicing suggest that this variant may disrupt the consensus splice site. In summary, the available evidence is currently insufficient to determine the role of this variant in disease. Therefore, it has been classified as a Variant of Uncertain Significance.